The following is an entry in ClinVar:

ClinVar aggregate classification (germline): Pathogenic (1 of 4 stars; one submission).

Submission:

Labcorp Genetics (formerly Invitae), Labcorp
Classification: Pathogenic. Last evaluated: 2024-06-25. Review status: criteria provided, single submitter. Criteria: Invitae Variant Classification Sherloc (09022015). Collection method: clinical testing. Allele origin: germline.
Comment: This sequence change creates a premature translational stop signal (p.Leu5059Serfs*119) in the USH2A gene. While this is not anticipated to result in nonsense mediated decay, it is expected to disrupt the last 144 amino acid(s) of the USH2A protein. This variant is not present in population databases (gnomAD no frequency). This variant has not been reported in the literature in individuals affected with USH2A-related conditions. This variant disrupts a region of the USH2A protein in which other variant(s) (p.Ile5166Val) have been determined to be pathogenic (PMID: 26969326, 27460420, 32531858). This suggests that this is a clinically significant region of the protein, and that variants that disrupt it are likely to be disease-causing. For these reasons, this variant has been classified as Pathogenic.

Literature cited by the submitters: PubMed 26969326; PubMed 27460420; PubMed 32531858.

NM_206933.4(USH2A):c.15174dup (p.Leu5059fs)

Gene: USH2A (usherin; minus strand). Cytogenetic location: 1q41.
Variant type: Duplication.
Coding change: c.15174dup on transcript NM_206933.4 (MANE Select); coding-DNA position 15174, one base duplicated (T; older notation c.15174dupT).
Protein change: p.Leu5059fs; shifts the reading frame from leucine 5059.
Molecular consequence: frameshift variant.
Genome position (GRCh38, 1-based): chr1:215,634,582, A duplicated on the plus strand (T on the coding strand, the reverse complement: USH2A is on the minus strand); the first of 5 consecutive A bases (chr1:215,634,582-215,634,586); duplicating any one gives the same sequence. VCF-style (leftmost placement, unchanged base first): chr1-215634581-G-GA. GRCh37 (hg19) VCF-style: chr1-215807923-G-GA.
Other names: short protein forms L5059fs.
Identifiers: ClinVar variation 3674203 (VCV003674203.2).